The following is an entry in ClinVar:

NM_003126.4(SPTA1):c.4338+21A>G

Gene: SPTA1 (spectrin alpha, erythrocytic 1; minus strand). Cytogenetic location: 1q23.1.
Variant type: single nucleotide variant.
Coding change: c.4338+21A>G on transcript NM_003126.4 (MANE Select); 21 bases into the intron after coding-DNA position 4338, A replaced by G.
Molecular consequence: intron variant.
Genome position (GRCh38, 1-based): chr1:158,644,232, T>C on the plus strand (A>G on the coding strand, the complement: SPTA1 is on the minus strand). VCF-style: chr1-158644232-T-C. GRCh37 (hg19) VCF-style: chr1-158614022-T-C.
Other names: p.?.
Identifiers: ClinVar variation 4683615 (VCV004683615.1).

ClinVar aggregate classification (germline): Likely benign (1 of 4 stars; one submission).

gnomAD v4.1: 78 of 1,613,394 alleles (0.0048%); highest among the groups gnomAD compares: East Asian, 0.17%; no homozygotes.

Submission:

Mayo Clinic Laboratories, Mayo Clinic
Classification: Likely benign. Last evaluated: 2025-05-07. Review status: criteria provided, single submitter. Criteria: ACMG Guidelines, 2015. Collection method: clinical testing. Allele origin: germline. Observed: 1 variant allele.
Comment: BP4, BP7